The following is an entry in ClinVar:

NM_020937.4(FANCM):c.5296G>T (p.Val1766Phe)

Gene: FANCM (FA complementation group M; plus strand). Cytogenetic location: 14q21.2.
Variant type: single nucleotide variant.
Coding change: c.5296G>T on transcript NM_020937.4 (MANE Select); coding-DNA position 5296, G replaced by T.
Protein change: p.Val1766Phe; replaces valine 1766 with phenylalanine.
Molecular consequence: missense variant.
Genome position (GRCh38, 1-based): chr14:45,189,318, G>T. VCF-style: chr14-45189318-G-T. GRCh37 (hg19) VCF-style: chr14-45658521-G-T.
Other names: c.5218G>T, p.Val1740Phe (NM_001308133.2); short protein forms V1766F, V1740F.
Identifiers: ClinVar variation 4022760 (VCV004022760.1).

ClinVar aggregate classification (germline): Uncertain significance (1 of 4 stars; one submission).

Conditions:
Inborn genetic diseases. Identifiers: MedGen C0950123, MeSH D030342.

Submission:

Ambry Genetics
Classification: Uncertain significance for Inborn genetic diseases. Last evaluated: 2025-05-08. Review status: criteria provided, single submitter. Criteria: Ambry Variant Classification Scheme 2023. Collection method: clinical testing. Allele origin: germline.
Comment: The p.V1766F variant (also known as c.5296G>T), located in coding exon 20 of the FANCM gene, results from a G to T substitution at nucleotide position 5296. The valine at codon 1766 is replaced by phenylalanine, an amino acid with highly similar properties. This amino acid position is conserved. In addition, this alteration is predicted to be tolerated by in silico analysis. Based on the available evidence, the clinical significance of this variant remains unclear.